The following is an entry in ClinVar:

NM_032043.3(BRIP1):c.1054T>C (p.Tyr352His)

Gene: BRIP1 (BRCA1 interacting DNA helicase 1; minus strand). Cytogenetic location: 17q23.2.
Variant type: single nucleotide variant.
Coding change: c.1054T>C on transcript NM_032043.3 (MANE Select); coding-DNA position 1054, T replaced by C.
Protein change: p.Tyr352His; replaces tyrosine 352 with histidine.
Molecular consequence: missense variant.
Genome position (GRCh38, 1-based): chr17:61,801,339, A>G on the plus strand (T>C on the coding strand, the complement: BRIP1 is on the minus strand). VCF-style: chr17-61801339-A-G. GRCh37 (hg19) VCF-style: chr17-59878700-A-G.
Other names: p.Y352H:TAT>CAT; short protein forms Y352H.
Identifiers: ClinVar variation 182344 (VCV000182344.28), dbSNP rs730881632, ClinGen allele CA298866.

ClinVar aggregate classification (germline): Uncertain significance. Review status: criteria provided, multiple submitters, no conflicts (2 of 4 stars). 7 submissions from 7 submitters: Uncertain significance (7). Last evaluated 2026-01-20.

Conditions:
BRIP1-related disorder. Also called: BRIP1-related condition; BRIP1-related disorders. Identifiers: MedGen CN239206.
Hereditary cancer-predisposing syndrome. Also called: Tumor predisposition; Hereditary Cancer Syndrome; Hereditary neoplastic syndrome; Neoplastic Syndromes, Hereditary. Identifiers: Orphanet 140162, MedGen C0027672, MeSH D009386, MONDO:0015356.
Familial cancer of breast. Also called: BREAST CANCER, FAMILIAL; hereditary breast carcinoma; Hereditary breast cancer. Identifiers: Orphanet 227535, MedGen C0346153, MONDO:0016419, OMIM 114480. Disease mechanism: loss of function.
Fanconi anemia complementation group J. Also called: BRIP1-Related Fanconi Anemia. Identifiers: Orphanet 84, MedGen C1836860, MONDO:0012187, OMIM 609054.

Allele frequency attached by ClinVar (database versions not stated): gnomAD exomes below 0.00001 and 0.00001; TOPMed below 0.00001; ExAC 0.00001; gnomAD 0.00001.
gnomAD v4.1: 21 of 1,613,950 alleles (0.0013%); highest among the groups gnomAD compares: Non-Finnish European, 0.0016%; no homozygotes.

Submissions (7):

Labcorp Genetics (formerly Invitae), Labcorp
Classification: Uncertain significance for Familial cancer of breast; Fanconi anemia complementation group J. Last evaluated: 2026-01-20. Review status: criteria provided, single submitter. Criteria: Invitae Variant Classification Sherloc (09022015). Collection method: clinical testing. Allele origin: germline.
Comment: This sequence change replaces tyrosine, which is neutral and polar, with histidine, which is basic and polar, at codon 352 of the BRIP1 protein (p.Tyr352His). This variant is present in population databases (rs730881632, gnomAD 0.002%). This missense change has been observed in individual(s) with BRIP1-related conditions (PMID: 26921362, 31265121). ClinVar contains an entry for this variant (Variation ID: 182344). Invitae Evidence Modeling of protein sequence and biophysical properties (such as structural, functional, and spatial information, amino acid conservation, physicochemical variation, residue mobility, and thermodynamic stability) has been performed for this missense variant. However, the output from this modeling did not meet the statistical confidence thresholds required to predict the impact of this variant on BRIP1 protein function. In summary, the available evidence is currently insufficient to determine the role of this variant in disease. Therefore, it has been classified as a Variant of Uncertain Significance.

Ambry Genetics
Classification: Uncertain significance for Hereditary cancer-predisposing syndrome. Last evaluated: 2025-09-10. Review status: criteria provided, single submitter. Criteria: Ambry Variant Classification Scheme 2023. Collection method: clinical testing. Allele origin: germline.
Comment: The p.Y352H variant (also known as c.1054T>C), located in coding exon 7 of the BRIP1 gene, results from a T to C substitution at nucleotide position 1054. The tyrosine at codon 352 is replaced by histidine, an amino acid with similar properties. This variant was detected in 1/13213 breast cancer cases and 1/5242 controls from the UK (Easton DF et al. J Med Genet, 2016 05;53:298-309). This amino acid position is highly conserved in available vertebrate species. In addition, this alteration is predicted to be deleterious by in silico analysis. Since supporting evidence is limited at this time, the clinical significance of this alteration remains unclear.

Color Diagnostics, LLC DBA Color Health
Classification: Uncertain significance for Hereditary cancer-predisposing syndrome. Last evaluated: 2025-01-21. Review status: criteria provided, single submitter. Criteria: ACMG Guidelines, 2015. Collection method: clinical testing. Allele origin: germline.
Comment: This missense variant replaces tyrosine with histidine at codon 352 of the BRIP1 protein. Computational prediction suggests that this variant may have deleterious impact on protein structure and function. To our knowledge, functional studies have not been reported for this variant. This variant has been reported in individuals affected with breast cancer in the literature (PMID: 26921362). This variant has been identified in 2/282732 chromosomes in the general population by the Genome Aggregation Database (gnomAD). The available evidence is insufficient to determine the role of this variant in disease conclusively. Therefore, this variant is classified as a Variant of Uncertain Significance.

Quest Diagnostics Nichols Institute San Juan Capistrano
Classification: Uncertain significance. Last evaluated: 2024-07-01. Review status: criteria provided, single submitter. Criteria: Quest Diagnostics criteria. Collection method: clinical testing. Allele origin: unknown.
Comment: The BRIP1 c.1054T>C (p.Tyr352His) variant has been reported in the published literature in families/individuals with ovarian or breast cancer (PMIDs: 26921362 (216), 31265121 (2020), 33471991 (2021), see also LOVD) as well as in reportedly healthy individuals (PMIDs: 26315354 (2015), 26921362 (2016), 33471991 (2021), see also LOVD). The frequency of this variant in the general population, 0.0000071 (2/282732 chromosomes (Genome Aggregation Database)), is uninformative in the assessment of its pathogenicity. Analysis of this variant using bioinformatics tools (i.e., MutationTaster and PolyPhen-2) for the prediction of the effect of amino acid changes on protein structure and function yielded conflicting predictions that this variant is inconclusive or damaging. Please note that these prediction tools are not fully validated, and therefore, should be viewed with caution. Based on the available information, we are unable to determine the clinical significance of this variant.

Baylor Genetics
Classification: Uncertain significance for Familial cancer of breast. Last evaluated: 2024-01-26. Review status: criteria provided, single submitter. Criteria: ACMG Guidelines, 2015. Collection method: clinical testing. Allele origin: unknown.

GeneDx
Classification: Uncertain significance. Last evaluated: 2023-12-13. Review status: criteria provided, single submitter. Criteria: GeneDx Variant Classification Process June 2021. Collection method: clinical testing. Allele origin: germline. Affected: yes.
Comment: In silico analysis supports that this missense variant has a deleterious effect on protein structure/function; Not observed at significant frequency in large population cohorts (gnomAD); This variant is associated with the following publications: (PMID: 26921362, 29368626, 26315354, 31265121)

Women's Health and Genetics/Laboratory Corporation of America, LabCorp
Classification: Uncertain significance. Last evaluated: 2022-10-21. Review status: criteria provided, single submitter. Criteria: LabCorp Variant Classification Summary - May 2015. Collection method: clinical testing. Allele origin: germline.
Comment: Variant summary: BRIP1 c.1054T>C (p.Tyr352His) results in a conservative amino acid change located in the Helicase superfamily 1/2, ATP-binding domain of the encoded protein sequence. Four of five in-silico tools predict a damaging effect of the variant on protein function. The variant allele was found at a frequency of 4e-06 in 251332 control chromosomes. The available data on variant occurrences in the general population are insufficient to allow any conclusion about variant significance. c.1054T>C has been reported in the literature in at least one individual affected with Breast Cancer. This report does not provide unequivocal conclusions about association of the variant with Breast Cancer. To our knowledge, no experimental evidence demonstrating an impact on protein function has been reported. Three clinical diagnostic laboratories have submitted clinical-significance assessments for this variant to ClinVar after 2014 without evidence for independent evaluation. All laboratories classified the variant as uncertain significance. Based on the evidence outlined above, the variant was classified as uncertain significance.

Literature cited by the submitters: PubMed 26921362 (cited by 4 submitters); PubMed 31265121 (cited by 3 submitters); PubMed 33471991 (cited by Quest Diagnostics Nichols Institute San Juan Capistrano); PubMed 34771502 (cited by Quest Diagnostics Nichols Institute San Juan Capistrano); PubMed 26315354 (cited by Quest Diagnostics Nichols Institute San Juan Capistrano).